The following is an entry in ClinVar:

NM_005157.6(ABL1):c.1513+6G>T

Gene: ABL1 (ABL proto-oncogene 1, non-receptor tyrosine kinase; plus strand). Cytogenetic location: 9q34.12.
Variant type: single nucleotide variant.
Coding change: c.1513+6G>T on transcript NM_005157.6 (MANE Select); 6 bases into the intron after coding-DNA position 1513, G replaced by T.
Molecular consequence: intron variant.
Genome position (GRCh38, 1-based): chr9:130,880,163, G>T. VCF-style: chr9-130880163-G-T. GRCh37 (hg19) VCF-style: chr9-133755550-G-T.
Other names: c.1570+6G>T (NM_007313.3).
Identifiers: ClinVar variation 4691609 (VCV004691609.1).

ClinVar aggregate classification (germline): Uncertain significance (1 of 4 stars; one submission).

gnomAD v4.1: 21 of 1,613,856 alleles (0.0013%); highest among the groups gnomAD compares: East Asian, 0.045%; no homozygotes.

Submission:

Labcorp Genetics (formerly Invitae), Labcorp
Classification: Uncertain significance. Last evaluated: 2025-12-15. Review status: criteria provided, single submitter. Criteria: Invitae Variant Classification Sherloc (09022015). Collection method: clinical testing. Allele origin: germline.
Comment: This sequence change falls in intron 9 of the ABL1 gene. It does not directly change the encoded amino acid sequence of the ABL1 protein. It affects a nucleotide within the consensus splice site. This variant is present in population databases (rs34603024, gnomAD 0.04%). This variant has not been reported in the literature in individuals affected with ABL1-related conditions. Variants that disrupt the consensus splice site are a relatively common cause of aberrant splicing (PMID: 17576681, 9536098). Algorithms developed to predict the effect of sequence changes on RNA splicing suggest that this variant is not likely to affect RNA splicing. In summary, the available evidence is currently insufficient to determine the role of this variant in disease. Therefore, it has been classified as a Variant of Uncertain Significance.

Literature cited by the submitters: PubMed 17576681; PubMed 9536098.